The following is an entry in ClinVar:

NM_033380.3(COL4A5):c.2113G>A (p.Gly705Arg)

Gene: COL4A5 (collagen type IV alpha 5 chain; plus strand). Cytogenetic location: Xq22.3.
Variant type: single nucleotide variant.
Coding change: c.2113G>A on transcript NM_033380.3 (MANE Select); coding-DNA position 2113, G replaced by A.
Protein change: p.Gly705Arg; replaces glycine 705 with arginine.
Molecular consequence: missense variant.
Genome position (GRCh38, 1-based): chrX:108,601,956, G>A. VCF-style: chrX-108601956-G-A. GRCh37 (hg19) VCF-style: chrX-107845186-G-A.
Other names: c.2113G>A, p.Gly705Arg (NM_000495.5); short protein forms G705R.
Identifiers: ClinVar variation 3366724 (VCV003366724.1).

ClinVar aggregate classification (germline): Uncertain significance (1 of 4 stars; one submission).

Submission:

Women's Health and Genetics/Laboratory Corporation of America, LabCorp
Classification: Uncertain significance. Last evaluated: 2024-08-19. Review status: criteria provided, single submitter. Criteria: LabCorp Variant Classification Summary - May 2015. Collection method: clinical testing. Allele origin: germline.
Comment: Variant summary: COL4A5 c.2113G>A (p.Gly705Arg) results in a non-conservative amino acid change in the encoded protein sequence. Five of five in-silico tools predict a damaging effect of the variant on protein function. The frequency data for this variant in gnomAD is considered unreliable, as metrics indicate poor data quality at this position. To our knowledge, no occurrence of c.2113G>A in individuals affected with Alport Syndrome 1, X-Linked Recessive and no experimental evidence demonstrating its impact on protein function have been reported. No submitters have cited clinical-significance assessments for this variant to ClinVar. Based on the evidence outlined above, the variant was classified as uncertain significance.